The following is an entry in ClinVar:

ClinVar aggregate classification (germline): Uncertain significance (1 of 4 stars; one submission).

Submission:

Labcorp Genetics (formerly Invitae), Labcorp
Classification: Uncertain significance. Last evaluated: 2023-01-19. Review status: criteria provided, single submitter. Criteria: Invitae Variant Classification Sherloc (09022015). Collection method: clinical testing. Allele origin: germline.
Comment: In summary, the available evidence is currently insufficient to determine the role of this variant in disease. Therefore, it has been classified as a Variant of Uncertain Significance. This variant has not been reported in the literature in individuals affected with DTHD1-related conditions. This variant is not present in population databases (gnomAD no frequency). This sequence change creates a premature translational stop signal (p.Ser152Hisfs*28) in the DTHD1 gene. It is expected to result in an absent or disrupted protein product. However, the current clinical and genetic evidence is not sufficient to establish whether loss-of-function variants in DTHD1 cause disease.

NM_001170700.3(DTHD1):c.1324_1328del (p.Ser442fs)

Gene: DTHD1 (death domain containing 1; plus strand). Cytogenetic location: 4p14.
Variant type: Deletion.
Coding change: c.1324_1328del on transcript NM_001170700.3 (MANE Select); coding-DNA positions 1324 to 1328, 5 bases deleted (TCAAG; older notation c.1324_1328delTCAAG).
Protein change: p.Ser442fs; shifts the reading frame from serine 442.
Molecular consequence: frameshift variant. On other transcripts: non-coding transcript variant (2).
Genome position (GRCh38, 1-based): chr4:36,293,631-36,293,635, TCAAG deleted; deleting any 5 consecutive bases within chr4:36,293,628-36,293,635 gives the same sequence; the c. name uses the placement nearest the transcript's 3' end. VCF-style (leftmost placement, unchanged base first): chr4-36293627-TAAGTC-T. GRCh37 (hg19) VCF-style: chr4-36295249-TAAGTC-T.
Other names: c.454_458del, p.Ser152fs (NM_001136536.5); c.391_395del, p.Ser131fs (NM_001378435.1); short protein forms S442fs, S131fs, S152fs.
Identifiers: ClinVar variation 2829652 (VCV002829652.3), dbSNP rs2529727072, ClinGen allele CA2670302588.